The following is an entry in ClinVar:

NM_004787.4(SLIT2):c.4170G>A (p.Ala1390=)

Gene: SLIT2 (slit guidance ligand 2; plus strand). Cytogenetic location: 4p15.31.
Variant type: single nucleotide variant.
Coding change: c.4170G>A on transcript NM_004787.4 (MANE Select); coding-DNA position 4170, G replaced by A.
Protein change: p.Ala1390=; no amino-acid change (alanine 1390 retained).
Molecular consequence: synonymous variant.
Genome position (GRCh38, 1-based): chr4:20,617,472, G>A. VCF-style: chr4-20617472-G-A. GRCh37 (hg19) VCF-style: chr4-20619095-G-A.
Other names: p.Ala1390=; c.4158G>A, p.Ala1386= (NM_001289135.3); c.4146G>A, p.Ala1382= (NM_001289136.3).
Identifiers: ClinVar variation 717841 (VCV000717841.12), dbSNP rs61746361, ClinGen allele CA2872382.

ClinVar aggregate classification (germline): Benign/Likely benign. Review status: criteria provided, multiple submitters, no conflicts (2 of 4 stars). 3 submissions from 3 submitters: Benign (2); Likely benign (1). Last evaluated 2025-12-15.

Allele frequency attached by ClinVar (database versions not stated): gnomAD exomes 0.00037 and 0.00098; ExAC 0.00117; TOPMed 0.00357; ESP Exome Variant Server 0.00415; 1000 Genomes Project 30x 0.00437; 1000 Genomes Project 0.00439.
gnomAD v4.1: 1,035 of 1,614,036 alleles (0.064%); highest among the groups gnomAD compares: African/African-American, 1.2%; 6 homozygotes.

Submissions (3):

Labcorp Genetics (formerly Invitae), Labcorp
Classification: Benign. Last evaluated: 2025-12-15. Review status: criteria provided, single submitter. Criteria: Invitae Variant Classification Sherloc (09022015). Collection method: clinical testing. Allele origin: germline.

Mayo Clinic Laboratories, Mayo Clinic
Classification: Likely benign. Last evaluated: 2025-06-20. Review status: criteria provided, single submitter. Criteria: ACMG Guidelines, 2015. Collection method: clinical testing. Allele origin: germline. Observed: 1 variant allele.
Comment: BS1, BP4, BP7

Breakthrough Genomics
Classification: Benign. Review status: criteria provided, single submitter. Criteria: ACMG Guidelines, 2015. Collection method: not provided. Allele origin: germline. Inheritance: Unknown mechanism. Affected: yes.